The following is an entry in ClinVar:

ClinVar aggregate classification (germline): Uncertain significance (1 of 4 stars; one submission).

Conditions:
Congenital contractural arachnodactyly (CCA). Also called: BEALS SYNDROME; Beals-Hecht syndrome; Arthrogryposis, distal, type 9. Identifiers: Orphanet 115, MedGen C0220668, MONDO:0007363, OMIM 121050.

Submission:

Labcorp Genetics (formerly Invitae), Labcorp
Classification: Uncertain significance for Congenital contractural arachnodactyly. Last evaluated: 2025-01-13. Review status: criteria provided, single submitter. Criteria: Invitae Variant Classification Sherloc (09022015). Collection method: clinical testing. Allele origin: germline.
Comment: This sequence change replaces phenylalanine, which is neutral and non-polar, with valine, which is neutral and non-polar, at codon 598 of the FBN2 protein (p.Phe598Val). This variant is not present in population databases (gnomAD no frequency). This variant has not been reported in the literature in individuals affected with FBN2-related conditions. Invitae Evidence Modeling of protein sequence and biophysical properties (such as structural, functional, and spatial information, amino acid conservation, physicochemical variation, residue mobility, and thermodynamic stability) indicates that this missense variant is expected to disrupt FBN2 protein function with a positive predictive value of 80%. In summary, the available evidence is currently insufficient to determine the role of this variant in disease. Therefore, it has been classified as a Variant of Uncertain Significance.

NM_001999.4(FBN2):c.1792T>G (p.Phe598Val)

Gene: FBN2 (fibrillin 2; minus strand). Cytogenetic location: 5q23.3.
Variant type: single nucleotide variant.
Coding change: c.1792T>G on transcript NM_001999.4 (MANE Select); coding-DNA position 1792, T replaced by G.
Protein change: p.Phe598Val; replaces phenylalanine 598 with valine.
Molecular consequence: missense variant.
Genome position (GRCh38, 1-based): chr5:128,377,809, A>C on the plus strand (T>G on the coding strand, the complement: FBN2 is on the minus strand). VCF-style: chr5-128377809-A-C. GRCh37 (hg19) VCF-style: chr5-127713502-A-C.
Other names: short protein forms F598V.
Identifiers: ClinVar variation 3689969 (VCV003689969.2).